The following is an entry in ClinVar:

NM_000102.4(CYP17A1):c.753+1G>A

Genes: CYP17A1-AS1 (CYP17A1 antisense RNA 1; plus strand), CYP17A1 (cytochrome P450 family 17 subfamily A member 1; minus strand). Cytogenetic location: 10q24.32.
Variant type: single nucleotide variant.
Coding change: c.753+1G>A on transcript NM_000102.4 (MANE Select); the canonical splice donor site of the intron after coding-DNA position 753, G replaced by A.
Molecular consequence: splice donor variant.
Genome position (GRCh38, 1-based): chr10:102,834,035, C>T on the plus strand (G>A on the coding strand, the complement: CYP17A1 is on the minus strand). VCF-style: chr10-102834035-C-T. GRCh37 (hg19) VCF-style: chr10-104593792-C-T.
Identifiers: ClinVar variation 1065952 (VCV001065952.11), dbSNP rs1844126291, ClinGen allele CA377939515.
Genomic context (GRCh38, chr10:102,834,035, plus strand): 5'-CCACCCTGCTCTTGTGATTACTTTTAGCCTAACTCATATTCTCTTCTGCTCTATCACCTA[C>T]CTTGTAATTTTCAAGTATTTTATTCAGCAGATCATTTCGTATTTTAACATGGCTCTTTAA-3'

ClinVar aggregate classification (germline): Pathogenic/Likely pathogenic. Review status: criteria provided, multiple submitters, no conflicts (2 of 4 stars). 2 submissions from 2 submitters: Pathogenic (1); Likely pathogenic (1). Last evaluated 2024-03-13.

Conditions:
Deficiency of steroid 17-alpha-monooxygenase. Also called: 17-ALPHA-HYDROXYLASE DEFICIENCY; ADRENAL HYPERPLASIA V; Congenital adrenal hyperplasia due to 17-alpha-hydroxylase deficiency; Congenital adrenal hyperplasia type 5; 17-alpha-hydroxylase/17,20-lyase deficiency. Identifiers: Orphanet 90793, MedGen C0268285, MONDO:0008730, OMIM 202110.

Allele frequency attached by ClinVar (database versions not stated): gnomAD exomes below 0.00001.
gnomAD v4.1: 3 of 1,065,504 alleles (0.00028%); highest among the groups gnomAD compares: Non-Finnish European, 0.00044%; no homozygotes.

Submissions (2):

Labcorp Genetics (formerly Invitae), Labcorp
Classification: Likely pathogenic. Last evaluated: 2024-03-13. Review status: criteria provided, single submitter. Criteria: Invitae Variant Classification Sherloc (09022015). Collection method: clinical testing. Allele origin: germline.
Comment: This sequence change affects a donor splice site in intron 4 of the CYP17A1 gene. It is expected to disrupt RNA splicing. Variants that disrupt the donor or acceptor splice site typically lead to a loss of protein function (PMID: 16199547), and loss-of-function variants in CYP17A1 are known to be pathogenic (PMID: 10720067, 14747197, 17192295, 20197673, 24140098). This variant is not present in population databases (gnomAD no frequency). Disruption of this splice site has been observed in individual(s) with congenital adrenal hyperplasia (PMID: 24593890). ClinVar contains an entry for this variant (Variation ID: 1065952). Algorithms developed to predict the effect of sequence changes on RNA splicing suggest that this variant may disrupt the consensus splice site. In summary, the currently available evidence indicates that the variant is pathogenic, but additional data are needed to prove that conclusively. Therefore, this variant has been classified as Likely Pathogenic.

Baylor Genetics
Classification: Pathogenic for Deficiency of steroid 17-alpha-monooxygenase. Last evaluated: 2024-01-24. Review status: criteria provided, single submitter. Criteria: ACMG Guidelines, 2015. Collection method: clinical testing. Allele origin: unknown.

Literature cited by the submitters: PubMed 16199547 (cited by Labcorp Genetics (formerly Invitae), Labcorp); PubMed 10720067 (cited by Labcorp Genetics (formerly Invitae), Labcorp); PubMed 14747197 (cited by Labcorp Genetics (formerly Invitae), Labcorp); PubMed 17192295 (cited by Labcorp Genetics (formerly Invitae), Labcorp); PubMed 20197673 (cited by Labcorp Genetics (formerly Invitae), Labcorp); PubMed 24140098 (cited by Labcorp Genetics (formerly Invitae), Labcorp); PubMed 24593890 (cited by Labcorp Genetics (formerly Invitae), Labcorp).